The following is an entry in ClinVar:

ClinVar aggregate classification (germline): Conflicting classifications of pathogenicity. Review status: criteria provided, conflicting classifications (1 of 4 stars). 7 submissions from 7 submitters: Pathogenic (5); Uncertain significance (1). 1 of the submissions does not count toward it. Last evaluated 2025-07-07.

Conditions:
Early-infantile DEE. Also called: Ohtahara syndrome; Early infantile epileptic encephalopathy; Early infantile epileptic encephalopathy with suppression bursts. Identifiers: Orphanet 1934, MedGen C0393706, MONDO:0800491.
KCNQ2-Related Disorders. Also called: KCNQ2-related disorder; KCNQ2-related condition. Identifiers: MedGen CN169299.
Developmental and epileptic encephalopathy, 7 (DEE7). Also called: KCNQ2-Related Neonatal-Onset Developmental and Epileptic Encephalopathy (NEO-DEE); Early infantile epileptic encephalopathy 7; KCNQ2-Related Neonatal Epileptic Encephalopathy. Identifiers: Orphanet 439218, MedGen C3150986, MONDO:0013387, OMIM 613720.

Submissions (13):

Labcorp Genetics (formerly Invitae), Labcorp
Classification: Pathogenic for Early-infantile DEE. Last evaluated: 2025-07-07. Review status: criteria provided, single submitter. Criteria: Invitae Variant Classification Sherloc (09022015). Collection method: clinical testing. Allele origin: germline.
Comment: This sequence change replaces glycine, which is neutral and non-polar, with arginine, which is basic and polar, at codon 281 of the KCNQ2 protein (p.Gly281Arg). This variant is not present in population databases (gnomAD no frequency). This missense change has been observed in individual(s) with early onset epileptic encephalopathies (PMID: 24107868, 25590979, 28133863, 30109124). In at least one individual the variant was observed to be de novo. ClinVar contains an entry for this variant (Variation ID: 198284). Invitae Evidence Modeling of protein sequence and biophysical properties (such as structural, functional, and spatial information, amino acid conservation, physicochemical variation, residue mobility, and thermodynamic stability) indicates that this missense variant is expected to disrupt KCNQ2 protein function with a positive predictive value of 95%. Algorithms developed to predict the effect of sequence changes on RNA splicing suggest that this variant may create or strengthen a splice site. For these reasons, this variant has been classified as Pathogenic.

Victorian Clinical Genetics Services, Murdoch Childrens Research Institute
Classification: Pathogenic for Developmental and epileptic encephalopathy, 7. Last evaluated: 2025-01-22. Review status: criteria provided, single submitter. Criteria: ACMG Guidelines, 2015. Collection method: clinical testing. Allele origin: germline. Affected: yes.
Comment: This variant is classified as Pathogenic. Evidence in support of pathogenic classification: Variant is absent from gnomAD (v2, v3 and v4); This variant has very strong previous evidence of pathogenicity in unrelated individuals. This variant has been classified as pathogenic by diagnostic laboratories in ClinVar, and reported in the literature in individuals with epileptic encephalopathy (PMIDs: 24107868, 25590979, 30109124, DECIPHER). An alternate nucleotide substitution resulting in the same amino acid change (c.841G>C) has been classified as likely pathogenic by diagnostic laboratories in ClinVar; Missense variant in a region that is highly intolerant to missense variation (high constraint region in DECIPHER); Missense variant predicted to be damaging by in silico tool(s) or highly conserved with a major amino acid change; Additional information: Variant is predicted to result in a missense amino acid change from glycine to arginine; This variant is heterozygous; This gene is associated with autosomal dominant disease; Dominant negative and loss of function are known mechanisms of disease in this gene and are associated with developmental and epileptic encephalopathy 7 (DEE; MIM#613720) and benign neonatal seizures 1 (BFNS1; MIM#121200), respectively (PMID: 20437616). There is currently no phenotypic correlation in terms of variant types or location (PMID: 31418850); The condition associated with this gene has incomplete penetrance; however, this is only reported for individuals with BFNS1 (PMID: 25959266).

Dasa
Classification: Pathogenic. Last evaluated: 2024-11-21. Review status: criteria provided, single submitter. Criteria: DASA Assertion Criteria. Collection method: clinical testing. Allele origin: germline.
Comment: NM_172107.4(KCNQ2):c.841G>A (p.Gly281Arg) is a missense variant that results in the substitution of glycine with arginine. This variant results in the same amino acid change as a previously established pathogenic variant. De novo occurrence has been reported in an individual with related phenotype. This variant has been recurrently observed in individuals with related phenotype (PMID: 24107868; PMID: 25590979; PMID: 28133863; PMID: 30109124; PMID: 30478917). Multiple computational predictions support a deleterious effect on the gene or gene product. The variant is present at low frequency in population datasets. Based on the available data, this variant is classified as pathogenic.

GeneDx
Classification: Pathogenic. Last evaluated: 2021-12-20. Review status: criteria provided, single submitter. Criteria: GeneDx Variant Classification Process June 2021. Collection method: clinical testing. Allele origin: germline. Affected: yes.
Comment: Not observed in large population cohorts (gnomAD); Missense variants in this gene are often considered pathogenic (HGMD); In silico analysis supports a deleterious effect on splicing; In silico analysis supports that this missense variant has a deleterious effect on protein structure/function; This variant is associated with the following publications: (PMID: 27602407, 25590979, 24107868, 28867141, 28133863, 29056246, 25533962, 28135719, 29186148, 28191890, 30109124, 20437616, 31785789, Vanoye2021[article])

Illumina Laboratory Services, Illumina
Classification: Pathogenic for KCNQ2-Related Disorders. Last evaluated: 2020-09-29. Review status: criteria provided, single submitter. Criteria: ICSLVariantClassificationCriteria RUGD 01 April 2020. Collection method: clinical testing. Allele origin: unknown.
Comment: The KCNQ2 c.841G>A (p.Gly281Arg) variant is a missense variant that has been reported in a heterozygous state in at least five individuals with early onset epileptic encephalopathy; in at least four of these cases, the variant arose de novo (Weckhuysen et al. 2013; Zhu et al. 2015; Olson et al. 2017; Butler et al. 2017; Ostrander et al. 2018). The p.Gly281Arg variant is not found in the Genome Aggregation Database. This variant alters a conserved residue within the pore-forming intramembrane domain between the S5 and S6 transmembrane domains and is also within a 6-residue span thought to function as the selectivity filter. Multiple missense changes within this region have been reported as pathogenic, including another nucleotide change resulting in the same amino acid change as well as two additional amino acid changes at the same position (Landrum et al. 2015). Based on the collective evidence, the c.841G>A (p.Gly281Arg) variant is classified a pathogenic for KCNQ2-related disorders.

Eurofins Ntd Llc (ga)
Classification: Uncertain significance. Last evaluated: 2014-06-06. Review status: criteria provided, single submitter. Criteria: EGL Classification Definitions 2015. Collection method: clinical testing. Allele origin: germline. Observed: 1 variant allele, 1 heterozygote.

Channelopathy-Associated Epilepsy Research Center
No classification provided (evidence only). Condition: Complex neurodevelopmental disorder. Review status: no classification provided. Collection method: literature only. Allele origin: not applicable. Functional consequence: Severe decrease in peak current, Severe slowing of activation, Normal voltage dependence of activation. Not counted in ClinVar's aggregate classification.
ClinVar note: "not provided" was previously submitted as the classification for the variant. However, the classification appeared to be based only on an observation of functional data so it was converted to no classification on 2025-07-30.

Channelopathy-Associated Epilepsy Research Center
No classification provided (evidence only). Review status: no classification provided. Collection method: in vitro. Allele origin: not applicable. Functional consequence: Decrease in peak current. Not counted in ClinVar's aggregate classification.

Channelopathy-Associated Epilepsy Research Center
No classification provided (evidence only). Review status: no classification provided. Collection method: in vitro. Allele origin: not applicable. Functional consequence: Decrease in peak current. Not counted in ClinVar's aggregate classification.

Channelopathy-Associated Epilepsy Research Center
No classification provided (evidence only). Review status: no classification provided. Collection method: in vitro. Allele origin: not applicable. Functional consequence: Normal voltage dependence of activation. Not counted in ClinVar's aggregate classification.

Channelopathy-Associated Epilepsy Research Center
No classification provided (evidence only). Review status: no classification provided. Collection method: in vitro. Allele origin: not applicable. Functional consequence: Increase in slope of activation. Not counted in ClinVar's aggregate classification.

Channelopathy-Associated Epilepsy Research Center
No classification provided (evidence only). Review status: no classification provided. Collection method: in vitro. Allele origin: not applicable. Functional consequence: Slowing of activation. Not counted in ClinVar's aggregate classification.

GeneReviews
No classification provided. Condition: Developmental and epileptic encephalopathy, 7. Review status: no classification provided. Collection method: literature only. Allele origin: germline. Affected: yes. Not counted in ClinVar's aggregate classification.
Comment: EE (epileptic encephalopathy)

Literature cited by the submitters: PubMed 24107868 (cited by 4 submitters); PubMed 25590979 (cited by 3 submitters); PubMed 28133863 (cited by Labcorp Genetics (formerly Invitae), Labcorp and Dasa); PubMed 30109124 (cited by 3 submitters); PubMed 20437616 (cited by Victorian Clinical Genetics Services, Murdoch Childrens Research Institute); PubMed 25959266 (cited by Victorian Clinical Genetics Services, Murdoch Childrens Research Institute); PubMed 31418850 (cited by Victorian Clinical Genetics Services, Murdoch Childrens Research Institute); PubMed 30478917 (cited by Dasa); PubMed 35104249 (cited by Channelopathy-Associated Epilepsy Research Center); NCBI Bookshelf NBK32534 (cited by GeneReviews).

NM_172107.4(KCNQ2):c.841G>A (p.Gly281Arg)

Gene: KCNQ2 (potassium voltage-gated channel subfamily Q member 2; minus strand). Cytogenetic location: 20q13.33.
Variant type: single nucleotide variant.
Coding change: c.841G>A on transcript NM_172107.4 (MANE Select); coding-DNA position 841, G replaced by A.
Protein change: p.Gly281Arg; replaces glycine 281 with arginine.
Molecular consequence: missense variant.
Genome position (GRCh38, 1-based): chr20:63,439,684, C>T on the plus strand (G>A on the coding strand, the complement: KCNQ2 is on the minus strand). VCF-style: chr20-63439684-C-T. GRCh37 (hg19) VCF-style: chr20-62071037-C-T.
Other names: p.G281R:GGG>AGG; c.841G>A, p.Gly281Arg (NM_004518.6, NM_172106.3, NM_172108.5 and 1 more transcripts); short protein forms G281R.
Identifiers: ClinVar variation 198284 (VCV000198284.27), dbSNP rs794727813, ClinGen allele CA303047.